The following is an entry in ClinVar:

ClinVar aggregate classification (germline): Uncertain significance. Review status: criteria provided, multiple submitters, no conflicts (2 of 4 stars). 2 submissions from 2 submitters: Uncertain significance (2). Last evaluated 2025-09-08.

Conditions:
TTN-related disorder. Also called: TTN-related disorders; TTN-related condition; TTN-related disease.

Allele frequency attached by ClinVar (database versions not stated): TOPMed 0.00002; gnomAD exomes 0.00004 and 0.00006; ExAC 0.00006; 1000 Genomes Project 30x 0.00016; 1000 Genomes Project 0.00020.
gnomAD v4.1: 80 of 1,613,410 alleles (0.005%); highest among the groups gnomAD compares: Non-Finnish European, 0.0062%; no homozygotes.

Submissions (2):

PreventionGenetics, part of Exact Sciences
Classification: Uncertain significance for TTN-related condition. Last evaluated: 2025-09-08. Review status: criteria provided, single submitter. Criteria: ACMG Guidelines, 2015. Collection method: clinical testing. Allele origin: germline.
Comment: The TTN c.11311+1636A>T variant is predicted to interfere with splicing. Of note, this variant is also referred to as c.10912A>T (p.Thr3638Ser), located in exon 46 of the alternative Novex-3 transcript NM_133379 (minor small cardiac isoform). This exon is not included in any other TTN transcripts (principle cardiac or skeletal muscle isoforms). To our knowledge, this variant has not been reported in the literature. This variant is reported in 0.023% of alleles in individuals of European (Non-Finnish) descent in gnomAD. At this time, the clinical significance of this variant is uncertain due to the absence of conclusive functional and genetic evidence.

CeGaT Center for Human Genetics Tuebingen
Classification: Uncertain significance. Last evaluated: 2025-06-01. Review status: criteria provided, single submitter. Criteria: CeGaT Center For Human Genetics Tuebingen Variant Classification Criteria Version 2. Collection method: clinical testing. Allele origin: germline. Affected: yes. Observed: 2 variant alleles.
Comment: TTN: PM2, BP4

NM_133379.5(TTN):c.10912A>T (p.Thr3638Ser)

Gene: TTN (titin; minus strand). Cytogenetic location: 2q31.2.
Variant type: single nucleotide variant.
Coding change: c.10912A>T on transcript NM_133379.5; coding-DNA position 10912, A replaced by T.
Protein change: p.Thr3638Ser; replaces threonine 3638 with serine.
Molecular consequence: missense variant. On other transcripts: intron variant (6).
Genome position (GRCh38, 1-based): chr2:178,751,488, T>A on the plus strand (A>T on the coding strand, the complement: TTN is on the minus strand). VCF-style: chr2-178751488-T-A. GRCh37 (hg19) VCF-style: chr2-179616215-T-A.
Other names: c.10222+1636A>T (NM_003319.4); c.10798+1636A>T (NM_133437.4); c.10597+1636A>T (NM_133432.3); c.10360+1636A>T (NM_133378.4, NM_001256850.1); c.11311+1636A>T (NM_001267550.2); short protein forms T3638S.
Identifiers: ClinVar variation 809087 (VCV000809087.43), dbSNP rs201304715, ClinGen allele CA2003822.
Genomic context (GRCh38, chr2:178,751,488, plus strand): 5'-GTATAGTTCTCATCATTCCCTTTTGTTCCACATCTTGTTTTTTGTTAAAGGGAGAGCCAG[T>A]AAACCTCAGGTCAACCTTTATCCTATCTTCTCCCCTTTCAACTAAAGCCTCCACATTTTC-3'